The following is an entry in ClinVar:

NM_001267550.2(TTN):c.42108C>G (p.Tyr14036Ter)

Gene: TTN (titin; minus strand). Cytogenetic location: 2q31.2.
Variant type: single nucleotide variant.
Coding change: c.42108C>G on transcript NM_001267550.2 (MANE Select); coding-DNA position 42108, C replaced by G.
Protein change: p.Tyr14036Ter; replaces tyrosine 14036 with a stop codon.
Molecular consequence: nonsense.
Genome position (GRCh38, 1-based): chr2:178,634,766, G>C on the plus strand (C>G on the coding strand, the complement: TTN is on the minus strand). VCF-style: chr2-178634766-G-C. GRCh37 (hg19) VCF-style: chr2-179499493-G-C.
Other names: c.37185C>G, p.Tyr12395Ter (NM_001256850.1); c.14913C>G, p.Tyr4971Ter (NM_003319.4); c.34404C>G, p.Tyr11468Ter (NM_133378.4); c.15288C>G, p.Tyr5096Ter (NM_133432.3); c.15489C>G, p.Tyr5163Ter (NM_133437.4); short protein forms Y14036*, Y4971*, Y5096*, Y11468*, Y5163*, Y12395*.
Identifiers: ClinVar variation 573088 (VCV000573088.11), dbSNP rs1311474144, ClinGen allele CA349655875.
Genomic context (GRCh38, chr2:178,634,766, plus strand): 5'-TTCTAAAAGCCCCATACCTTTTACTGTCAAAATGGCAGTTGTAATTGCATTAAGGGCCTG[G>C]TAGAGGACTTCACCAGCTTGGTCCAGTTTGACTTTGTGCAAAGTTAAGAAGCGTTTTCCA-3'

ClinVar aggregate classification (germline): Likely pathogenic (1 of 4 stars; one submission).

Conditions:
Dilated cardiomyopathy 1G (CMD1G). Identifiers: Orphanet 154, MedGen C1858763, MONDO:0011400, OMIM 604145.
Autosomal recessive limb-girdle muscular dystrophy type 2J (LGMDR10). Also called: Limb-girdle muscular dystrophy, type 2J; MUSCULAR DYSTROPHY, LIMB-GIRDLE, AUTOSOMAL RECESSIVE 10. Identifiers: Orphanet 140922, MedGen C1837342, MONDO:0012127, OMIM 608807.

Submission:

Labcorp Genetics (formerly Invitae), Labcorp
Classification: Likely pathogenic for Dilated cardiomyopathy 1G; Autosomal recessive limb-girdle muscular dystrophy type 2J. Last evaluated: 2025-03-21. Review status: criteria provided, single submitter. Criteria: Invitae Variant Classification Sherloc (09022015). Collection method: clinical testing. Allele origin: germline.
Comment: This sequence change creates a premature translational stop signal (p.Tyr14036*) in the TTN gene. While this is not anticipated to result in nonsense mediated decay, it is expected to create a truncated TTN protein. This variant is not present in population databases (gnomAD no frequency). This variant has not been reported in the literature in individuals affected with TTN-related conditions. ClinVar contains an entry for this variant (Variation ID: 573088). This variant is located in the I band of TTN (PMID: 25589632). Truncating variants in this region have been reported in individuals affected with autosomal recessive centronuclear myopathy (PMID: 23975875, internal data). Truncating variants in this region have also been identified in individuals affected with autosomal dominant dilated cardiomyopathy and/or cardio-related conditions (PMID: 27869827, 32964742, internal data). In summary, the currently available evidence indicates that the variant is pathogenic, but additional data are needed to prove that conclusively. Therefore, this variant has been classified as Likely Pathogenic.

Literature cited by the submitters: PubMed 25589632; PubMed 23975875; PubMed 27869827; PubMed 32964742.